The following is an entry in ClinVar:

ClinVar aggregate classification (germline): Uncertain significance. Review status: criteria provided, multiple submitters, no conflicts (2 of 4 stars). 2 submissions from 2 submitters: Uncertain significance (2). Last evaluated 2024-02-27.

Conditions:
Developmental and epileptic encephalopathy, 9 (DEE9). Also called: Early infantile epileptic encephalopathy 9; JUBERG-HELLMAN SYNDROME; EPILEPSY, FEMALE-RESTRICTED, WITH MENTAL RETARDATION; PCDH19-Related X-Linked Female-Limited Epilepsy with Mental Retardation. Identifiers: Orphanet 101039, Orphanet 2076, MedGen C1848137, MONDO:0010246, OMIM 300088. Disease mechanism: loss of function.

Allele frequency attached by ClinVar (database versions not stated): gnomAD exomes 0.00001; ExAC 0.00002.
gnomAD v4.1: 9 of 1,211,440 alleles (0.00074%); highest among the groups gnomAD compares: East Asian, 0.0059%; no homozygotes.

Submissions (2):

Labcorp Genetics (formerly Invitae), Labcorp
Classification: Uncertain significance for Developmental and epileptic encephalopathy, 9. Last evaluated: 2024-02-27. Review status: criteria provided, single submitter. Criteria: Invitae Variant Classification Sherloc (09022015). Collection method: clinical testing. Allele origin: germline.
Comment: This sequence change replaces arginine, which is basic and polar, with histidine, which is basic and polar, at codon 1133 of the PCDH19 protein (p.Arg1133His). This variant is present in population databases (rs771849535, gnomAD 0.02%). This variant has not been reported in the literature in individuals affected with PCDH19-related conditions. ClinVar contains an entry for this variant (Variation ID: 431843). Advanced modeling of protein sequence and biophysical properties (such as structural, functional, and spatial information, amino acid conservation, physicochemical variation, residue mobility, and thermodynamic stability) performed at Invitae indicates that this missense variant is not expected to disrupt PCDH19 protein function with a negative predictive value of 95%. In summary, the available evidence is currently insufficient to determine the role of this variant in disease. Therefore, it has been classified as a Variant of Uncertain Significance.

GeneDx
Classification: Uncertain significance. Last evaluated: 2020-11-12. Review status: criteria provided, single submitter. Criteria: GeneDx Variant Classification Process June 2021. Collection method: clinical testing. Allele origin: germline. Affected: yes.
Comment: Missense variants in this gene are often considered pathogenic (Stenson et al., 2014); In silico analysis supports that this missense variant does not alter protein structure/function; Has not been previously published as pathogenic or benign to our knowledge

NM_001184880.2(PCDH19):c.3398G>A (p.Arg1133His)

Gene: PCDH19 (protocadherin 19; minus strand). Cytogenetic location: Xq22.1.
Variant type: single nucleotide variant.
Coding change: c.3398G>A on transcript NM_001184880.2 (MANE Select); coding-DNA position 3398, G replaced by A.
Protein change: p.Arg1133His; replaces arginine 1133 with histidine.
Molecular consequence: missense variant.
Genome position (GRCh38, 1-based): chrX:100,296,326, C>T on the plus strand (G>A on the coding strand, the complement: PCDH19 is on the minus strand). VCF-style: chrX-100296326-C-T. GRCh37 (hg19) VCF-style: chrX-99551324-C-T.
Other names: c.3257G>A, p.Arg1086His (NM_001105243.2); c.3254G>A, p.Arg1085His (NM_020766.3); short protein forms R1133H, R1085H, R1086H.
Identifiers: ClinVar variation 431843 (VCV000431843.9), dbSNP rs771849535, ClinGen allele CA10468626.
Genomic context (GRCh38, chrX:100,296,326, plus strand): 5'-TGGAGACTGGTTTAGAGAACGATATCCTTCAGACGCTTCACACCAGGGGACTCTTTGTTG[C>T]GACCTTCCTTCAGAATGGGGCTGACCTCATGCATGACTTTCTCGCTATCAGCTCCACGGG-3'
Protein context (NP_001171809.1, residues 1123-1143): HEVSPILKEG[Arg1133His]NKESPGVKRL